The following is an entry in ClinVar:

ClinVar aggregate classification (germline): Likely benign. Review status: criteria provided, multiple submitters, no conflicts (2 of 4 stars). 3 submissions from 3 submitters: Likely benign (3). Last evaluated 2026-07-01.

Conditions:
Malignant hyperthermia, susceptibility to, 1 (MHS1). Also called: Malignant hyperthermia suceptibility 1; Anesthesia related hyperthermia; Malignant hyperpyrexia; Fulminating hyperpyrexia; Pharmacogenic myopathy; RYR1-Related Malignant Hyperthermia Susceptibility. Identifiers: Orphanet 423, MedGen C2930980, MONDO:0007783, OMIM 145600.
RYR1-related disorder. Also called: RYR1-related disorders; RYR1-related condition. Identifiers: MedGen CN239331.

Allele frequency attached by ClinVar (database versions not stated): gnomAD exomes below 0.00001 and 0.00002; gnomAD 0.00001; TOPMed 0.00001.
gnomAD v4.1: 24 of 1,611,870 alleles (0.0015%); highest among the groups gnomAD compares: Middle Eastern, 0.043%; no homozygotes.

Submissions (3):

CeGaT Center for Human Genetics Tuebingen
Classification: Likely benign. Last evaluated: 2026-07-01. Review status: criteria provided, single submitter. Criteria: CeGaT Center For Human Genetics Tuebingen Variant Classification Criteria Version 2. Collection method: clinical testing. Allele origin: germline. Affected: yes. Observed: 3 variant alleles.
Comment: RYR1: BP4, BP7

Labcorp Genetics (formerly Invitae), Labcorp
Classification: Likely benign for RYR1-related disorder. Last evaluated: 2025-11-16. Review status: criteria provided, single submitter. Criteria: Invitae Variant Classification Sherloc (09022015). Collection method: clinical testing. Allele origin: germline.

All of Us Research Program, National Institutes of Health
Classification: Likely benign for Malignant hyperthermia, susceptibility to, 1. Last evaluated: 2023-11-20. Review status: criteria provided, single submitter. Criteria: ACMG Guidelines, 2015. Collection method: clinical testing. Allele origin: germline. Inheritance: Autosomal dominant inheritance. Observed: 3 variant alleles, 3 heterozygotes.
Comment: This study involves interpretation of variants in research participants for the purpose of population health screening. Participant phenotype was not available at the time of variant classification. Additional details can be found in publication PMID: 35346344, PMCID: PMC8962531

NM_000540.3(RYR1):c.6330C>T (p.Phe2110=)

Gene: RYR1 (ryanodine receptor 1; plus strand). Cytogenetic location: 19q13.2.
Variant type: single nucleotide variant.
Coding change: c.6330C>T on transcript NM_000540.3 (MANE Select); coding-DNA position 6330, C replaced by T.
Protein change: p.Phe2110=; no amino-acid change (phenylalanine 2110 retained).
Molecular consequence: synonymous variant.
Genome position (GRCh38, 1-based): chr19:38,494,407, C>T. VCF-style: chr19-38494407-C-T. GRCh37 (hg19) VCF-style: chr19-38985047-C-T.
Other names: c.6330C>T, p.Phe2110= (NM_001042723.2).
Identifiers: ClinVar variation 1647868 (VCV001647868.35), dbSNP rs990514054, ClinGen allele CA082039.